The following is an entry in ClinVar:

NM_004082.5(DCTN1):c.3543G>A (p.Pro1181=)

Gene: DCTN1 (dynactin subunit 1; minus strand). Cytogenetic location: 2p13.1.
Variant type: single nucleotide variant.
Coding change: c.3543G>A on transcript NM_004082.5 (MANE Select); coding-DNA position 3543, G replaced by A.
Protein change: p.Pro1181=; no amino-acid change (proline 1181 retained).
Molecular consequence: synonymous variant. On other transcripts: non-coding transcript variant (1).
Genome position (GRCh38, 1-based): chr2:74,362,716, C>T on the plus strand (G>A on the coding strand, the complement: DCTN1 is on the minus strand). VCF-style: chr2-74362716-C-T. GRCh37 (hg19) VCF-style: chr2-74589843-C-T.
Other names: p.Pro1181=; c.3468G>A, p.Pro1156= (NM_001135040.3); c.3126G>A, p.Pro1042= (NM_001135041.3); c.3417G>A, p.Pro1139= (NM_001190836.2); c.3522G>A, p.Pro1174= (NM_001190837.2); c.3492G>A, p.Pro1164= (NM_001378991.1); c.3474G>A, p.Pro1158= (NM_001378992.1); c.3141G>A, p.Pro1047= (NM_023019.4).
Identifiers: ClinVar variation 704540 (VCV000704540.14), dbSNP rs745853966, ClinGen allele CA1721443.

ClinVar aggregate classification (germline): Likely benign. Review status: criteria provided, multiple submitters, no conflicts (2 of 4 stars). 2 submissions from 2 submitters: Likely benign (2). Last evaluated 2025-04-01.

Conditions:
Perry syndrome. Also called: PARKINSONISM WITH ALVEOLAR HYPOVENTILATION AND MENTAL DEPRESSION. Identifiers: Orphanet 178509, MedGen C1868594, MONDO:0008201, OMIM 168605.
Neuronopathy, distal hereditary motor, type 7B. Also called: NEURONOPATHY, DISTAL HEREDITARY MOTOR, AUTOSOMAL DOMINANT 14; NEURONOPATHY, DISTAL HEREDITARY MOTOR, HARDING TYPE VIIB; NEUROPATHY, DISTAL HEREDITARY MOTOR, HARDING TYPE VIIB; NEUROPATHY, DISTAL HEREDITARY MOTOR, WITH VOCAL CORD PARALYSIS, HARDING TYPE VIIB; HMN VIIB; LOWER MOTOR NEURON DISEASE, DYNACTIN TYPE. Identifiers: Orphanet 139589, MedGen C1843315, MONDO:0011879, OMIM 607641.
Amyotrophic lateral sclerosis type 1 (ALS1). Also called: AMYOTROPHIC LATERAL SCLEROSIS 1, FAMILIAL. Identifiers: Orphanet 803, MedGen C1862939, MONDO:0007103, OMIM 105400.

Allele frequency attached by ClinVar (database versions not stated): TOPMed 0.00008; gnomAD 0.00010 and 0.00004; ExAC 0.00003.
gnomAD v4.1: 33 of 1,613,860 alleles (0.002%); highest among the groups gnomAD compares: African/African-American, 0.021%; no homozygotes.

Submissions (2):

Labcorp Genetics (formerly Invitae), Labcorp
Classification: Likely benign for Amyotrophic lateral sclerosis type 1; Neuronopathy, distal hereditary motor, type 7B; Perry syndrome. Last evaluated: 2025-04-01. Review status: criteria provided, single submitter. Criteria: Invitae Variant Classification Sherloc (09022015). Collection method: clinical testing. Allele origin: germline.

Mayo Clinic Laboratories, Mayo Clinic
Classification: Likely benign. Last evaluated: 2025-02-25. Review status: criteria provided, single submitter. Criteria: ACMG Guidelines, 2015. Collection method: clinical testing. Allele origin: germline. Observed: 1 variant allele.
Comment: BP4, BP5, BP7